The following is an entry in ClinVar:

NM_017617.5(NOTCH1):c.5006T>C (p.Met1669Thr)

Gene: NOTCH1 (notch receptor 1; minus strand). Cytogenetic location: 9q34.3.
Variant type: single nucleotide variant.
Coding change: c.5006T>C on transcript NM_017617.5 (MANE Select); coding-DNA position 5006, T replaced by C.
Protein change: p.Met1669Thr; replaces methionine 1669 with threonine.
Molecular consequence: missense variant.
Genome position (GRCh38, 1-based): chr9:136,504,685, A>G on the plus strand (T>C on the coding strand, the complement: NOTCH1 is on the minus strand). VCF-style: chr9-136504685-A-G. GRCh37 (hg19) VCF-style: chr9-139399137-A-G.
Other names: c.5006T>C (NM_017617.3); short protein forms M1669T.
Identifiers: ClinVar variation 2729325 (VCV002729325.5), dbSNP rs2133335675, ClinGen allele CA375643983.

ClinVar aggregate classification (germline): Uncertain significance. Review status: criteria provided, multiple submitters, no conflicts (2 of 4 stars). 3 submissions from 3 submitters: Uncertain significance (3). Last evaluated 2024-12-13.

Conditions:
Familial thoracic aortic aneurysm and aortic dissection (TAAD). Also called: Thoracic aortic aneurysms and dissections. Identifiers: Orphanet 91387, MedGen C4707243, MONDO:0019625.
Adams-Oliver syndrome 5 (AOS5). Identifiers: Orphanet 974, MedGen C4014970, MONDO:0014459, OMIM 616028.

Allele frequency attached by ClinVar (database versions not stated): gnomAD exomes below 0.00001.

Submissions (3):

Ambry Genetics
Classification: Uncertain significance for Familial thoracic aortic aneurysm and aortic dissection. Last evaluated: 2024-12-13. Review status: criteria provided, single submitter. Criteria: Ambry Variant Classification Scheme 2023. Collection method: clinical testing. Allele origin: germline.
Comment: The p.M1669T variant (also known as c.5006T>C), located in coding exon 26 of the NOTCH1 gene, results from a T to C substitution at nucleotide position 5006. The methionine at codon 1669 is replaced by threonine, an amino acid with similar properties. This amino acid position is conserved. In addition, this alteration is predicted to be tolerated by in silico analysis. Based on the available evidence, the clinical significance of this variant remains unclear.

GeneDx
Classification: Uncertain significance. Last evaluated: 2024-05-06. Review status: criteria provided, single submitter. Criteria: GeneDx Variant Classification Process June 2021. Collection method: clinical testing. Allele origin: germline. Affected: yes.
Comment: Not observed at significant frequency in large population cohorts (gnomAD); In silico analysis indicates that this missense variant does not alter protein structure/function; Has not been previously published as pathogenic or benign to our knowledge

Labcorp Genetics (formerly Invitae), Labcorp
Classification: Uncertain significance for Adams-Oliver syndrome 5. Last evaluated: 2023-04-12. Review status: criteria provided, single submitter. Criteria: Invitae Variant Classification Sherloc (09022015). Collection method: clinical testing. Allele origin: germline.
Comment: This variant has not been reported in the literature in individuals affected with NOTCH1-related conditions. In summary, the available evidence is currently insufficient to determine the role of this variant in disease. Therefore, it has been classified as a Variant of Uncertain Significance. Advanced modeling of protein sequence and biophysical properties (such as structural, functional, and spatial information, amino acid conservation, physicochemical variation, residue mobility, and thermodynamic stability) performed at Invitae indicates that this missense variant is not expected to disrupt NOTCH1 protein function. This variant is not present in population databases (gnomAD no frequency). This sequence change replaces methionine, which is neutral and non-polar, with threonine, which is neutral and polar, at codon 1669 of the NOTCH1 protein (p.Met1669Thr).